The following is an entry in ClinVar:

ClinVar aggregate classification (germline): Uncertain significance (1 of 4 stars; one submission).

Conditions:
Hereditary cancer-predisposing syndrome. Also called: Hereditary Cancer Syndrome; Hereditary neoplastic syndrome; Tumor predisposition; Neoplastic Syndromes, Hereditary. Identifiers: Orphanet 140162, MedGen C0027672, MeSH D009386, MONDO:0015356.
Cardiovascular phenotype. Identifiers: MedGen CN230736.

gnomAD v4.1: 1 of 1,613,484 alleles (0.000062%); highest among the groups gnomAD compares: East Asian, 0.0022%; no homozygotes.

Submission:

Ambry Genetics
Classification: Uncertain significance for Cardiovascular phenotype; Hereditary cancer-predisposing syndrome. Last evaluated: 2024-11-18. Review status: criteria provided, single submitter. Criteria: Ambry Variant Classification Scheme 2023. Collection method: clinical testing. Allele origin: germline.
Comment: The p.F442L variant (also known as c.1326C>G), located in coding exon 12 of the LZTR1 gene, results from a C to G substitution at nucleotide position 1326. The phenylalanine at codon 442 is replaced by leucine, an amino acid with highly similar properties. This amino acid position is conserved. In addition, this alteration is predicted to be tolerated by in silico analysis. Based on the available evidence, the clinical significance of this variant remains unclear.

NM_006767.4(LZTR1):c.1326C>G (p.Phe442Leu)

Gene: LZTR1 (leucine zipper like post translational regulator 1; plus strand). Cytogenetic location: 22q11.21.
Variant type: single nucleotide variant.
Coding change: c.1326C>G on transcript NM_006767.4 (MANE Select); coding-DNA position 1326, C replaced by G.
Protein change: p.Phe442Leu; replaces phenylalanine 442 with leucine.
Molecular consequence: missense variant.
Genome position (GRCh38, 1-based): chr22:20,993,727, C>G. VCF-style: chr22-20993727-C-G. GRCh37 (hg19) VCF-style: chr22-21348016-C-G.
Other names: short protein forms F442L.
Identifiers: ClinVar variation 3541715 (VCV003541715.1).